The following is an entry in ClinVar:

NM_016151.4(TAOK2):c.1564G>A (p.Ala522Thr)

Gene: TAOK2 (TAO kinase 2; plus strand). Cytogenetic location: 16p11.2.
Variant type: single nucleotide variant.
Coding change: c.1564G>A on transcript NM_016151.4 (MANE Select); coding-DNA position 1564, G replaced by A.
Protein change: p.Ala522Thr; replaces alanine 522 with threonine.
Molecular consequence: missense variant.
Genome position (GRCh38, 1-based): chr16:29,985,354, G>A. VCF-style: chr16-29985354-G-A. GRCh37 (hg19) VCF-style: chr16-29996675-G-A.
Other names: c.1564G>A, p.Ala522Thr (NM_001252043.2, NM_004783.4); short protein forms A522T.
Identifiers: ClinVar variation 1356341 (VCV001356341.8), dbSNP rs748013785, ClinGen allele CA7998167.

ClinVar aggregate classification (germline): Uncertain significance (1 of 4 stars; one submission).

Allele frequency attached by ClinVar (database versions not stated): gnomAD exomes below 0.00001 and 0.00001; TOPMed below 0.00001; ExAC 0.00001.
gnomAD v4.1: 11 of 1,611,862 alleles (0.00068%); highest among the groups gnomAD compares: African/African-American, 0.0093%; no homozygotes.

Submission:

Labcorp Genetics (formerly Invitae), Labcorp
Classification: Uncertain significance. Last evaluated: 2025-06-11. Review status: criteria provided, single submitter. Criteria: Invitae Variant Classification Sherloc (09022015). Collection method: clinical testing. Allele origin: germline.
Comment: This sequence change replaces alanine, which is neutral and non-polar, with threonine, which is neutral and polar, at codon 522 of the TAOK2 protein (p.Ala522Thr). This variant is present in population databases (rs748013785, gnomAD no frequency). This missense change has been observed in individual(s) with autism (PMID: 19242545). ClinVar contains an entry for this variant (Variation ID: 1356341). An algorithm developed to predict the effect of missense changes on protein structure and function (PolyPhen-2) suggests that this variant is likely to be tolerated. In summary, the available evidence is currently insufficient to determine the role of this variant in disease. Therefore, it has been classified as a Variant of Uncertain Significance.

Literature cited by the submitters: PubMed 19242545.